The following is an entry in ClinVar:

ClinVar aggregate classification (germline): Uncertain significance. Review status: criteria provided, multiple submitters, no conflicts (2 of 4 stars). 2 submissions from 2 submitters: Uncertain significance (2). Last evaluated 2025-05-13.

Conditions:
Cardiomyopathy (CMYO). Also called: Cardiomyopathies. Identifiers: Orphanet 167848, MedGen C0878544, MONDO:0004994, HP:0001638. Inheritance: Various modes of inheritance.
Cardiovascular phenotype. Identifiers: MedGen CN230736.

Submissions (2):

Color Diagnostics, LLC DBA Color Health
Classification: Uncertain significance for Cardiomyopathy. Last evaluated: 2025-05-13. Review status: criteria provided, single submitter. Criteria: ACMG Guidelines, 2015. Collection method: clinical testing. Allele origin: germline.
Comment: This missense variant replaces lysine with glutamine at codon 981 of the DSP protein. Computational prediction suggests that this variant may not impact protein structure and function. To our knowledge, functional studies have not been reported for this variant. This variant has not been reported in individuals affected with DSP-related disorders in the literature. This variant has not been identified in the general population by the Genome Aggregation Database (gnomAD). The available evidence is insufficient to determine the role of this variant in disease conclusively. Therefore, this variant is classified as a Variant of Uncertain Significance.

Ambry Genetics
Classification: Uncertain significance for Cardiovascular phenotype. Last evaluated: 2025-01-19. Review status: criteria provided, single submitter. Criteria: Ambry Variant Classification Scheme 2023. Collection method: clinical testing. Allele origin: germline.
Comment: The p.K981Q variant (also known as c.2941A>C), located in coding exon 21 of the DSP gene, results from an A to C substitution at nucleotide position 2941. The lysine at codon 981 is replaced by glutamine, an amino acid with similar properties. This amino acid position is conserved. In addition, the in silico prediction for this alteration is inconclusive. Based on the available evidence, the clinical significance of this variant remains unclear.

NM_004415.4(DSP):c.2941A>C (p.Lys981Gln)

Gene: DSP (desmoplakin; plus strand). Cytogenetic location: 6p24.3.
Variant type: single nucleotide variant.
Coding change: c.2941A>C on transcript NM_004415.4 (MANE Select); coding-DNA position 2941, A replaced by C.
Protein change: p.Lys981Gln; replaces lysine 981 with glutamine.
Molecular consequence: missense variant.
Genome position (GRCh38, 1-based): chr6:7,577,842, A>C. VCF-style: chr6-7577842-A-C. GRCh37 (hg19) VCF-style: chr6-7578075-A-C.
Other names: c.2941A>C, p.Lys981Gln (NM_001008844.3, NM_001319034.2); short protein forms K981Q.
Identifiers: ClinVar variation 3842694 (VCV003842694.2).